The following is an entry in ClinVar:

NM_033310.3(KCNK4):c.854G>A (p.Arg285His)

Genes: KCNK4 (potassium two pore domain channel subfamily K member 4; plus strand), KCNK4-CATSPERZ (KCNK4-CATSPERZ readthrough (NMD candidate); plus strand). Cytogenetic location: 11q13.1.
Variant type: single nucleotide variant.
Coding change: c.854G>A on transcript NM_033310.3 (MANE Select); coding-DNA position 854, G replaced by A.
Protein change: p.Arg285His; replaces arginine 285 with histidine.
Molecular consequence: missense variant. On other transcripts: non-coding transcript variant (3).
Genome position (GRCh38, 1-based): chr11:64,299,398, G>A. VCF-style: chr11-64299398-G-A. GRCh37 (hg19) VCF-style: chr11-64066870-G-A.
Other names: c.854G>A, p.Arg285His (NM_001317090.2, NM_033311.1); short protein forms R285H.
Identifiers: ClinVar variation 2869909 (VCV002869909.3), dbSNP rs1199735109, ClinGen allele CA381067105.

ClinVar aggregate classification (germline): Uncertain significance (1 of 4 stars; one submission).

Allele frequency attached by ClinVar (database versions not stated): TOPMed 0.00003.

Submission:

Labcorp Genetics (formerly Invitae), Labcorp
Classification: Uncertain significance. Last evaluated: 2023-04-03. Review status: criteria provided, single submitter. Criteria: Invitae Variant Classification Sherloc (09022015). Collection method: clinical testing. Allele origin: germline.
Comment: In summary, the available evidence is currently insufficient to determine the role of this variant in disease. Therefore, it has been classified as a Variant of Uncertain Significance. An algorithm developed to predict the effect of missense changes on protein structure and function (PolyPhen-2) suggests that this variant is likely to be disruptive. This variant has not been reported in the literature in individuals affected with KCNK4-related conditions. This variant is not present in population databases (gnomAD no frequency). This sequence change replaces arginine, which is basic and polar, with histidine, which is basic and polar, at codon 285 of the KCNK4 protein (p.Arg285His).